The following is an entry in ClinVar:

NM_152564.5(VPS13B):c.2077A>C (p.Ile693Leu)

Gene: VPS13B (vacuolar protein sorting 13 homolog B; plus strand). Cytogenetic location: 8q22.2.
Variant type: single nucleotide variant.
Coding change: c.2077A>C on transcript NM_152564.5 (MANE Select); coding-DNA position 2077, A replaced by C.
Protein change: p.Ile693Leu; replaces isoleucine 693 with leucine.
Molecular consequence: missense variant.
Genome position (GRCh38, 1-based): chr8:99,156,612, A>C. VCF-style: chr8-99156612-A-C. GRCh37 (hg19) VCF-style: chr8-100168840-A-C.
Other names: c.2077A>C (NM_152564.4, NM_017890.3); c.2077A>C, p.Ile693Leu (NM_015243.3, NM_017890.5); short protein forms I693L.
Identifiers: ClinVar variation 1441449 (VCV001441449.7), dbSNP rs1228929542, ClinGen allele CA371864923.

ClinVar aggregate classification (germline): Uncertain significance. Review status: criteria provided, multiple submitters, no conflicts (2 of 4 stars). 3 submissions from 3 submitters: Uncertain significance (3). Last evaluated 2026-08-19.

Conditions:
Cohen syndrome (COH1). Also called: PEPPER SYNDROME; Cutis verticis gyrata, retinitis pigmentosa, and sensorineural deafness. Identifiers: Orphanet 193, MedGen C0265223, MONDO:0008999, OMIM 216550.
VPS13B-related disorder. Also called: VPS13B-related condition.
Inborn genetic diseases. Identifiers: MedGen C0950123, MeSH D030342.

Allele frequency attached by ClinVar (database versions not stated): TOPMed below 0.00001; gnomAD 0.00001.

Submissions (3):

PreventionGenetics, part of Exact Sciences
Classification: Uncertain significance for VPS13B-related condition. Last evaluated: 2026-08-19. Review status: criteria provided, single submitter. Criteria: ACMG Guidelines, 2015. Collection method: clinical testing. Allele origin: germline.
Comment: The VPS13B c.2077A>C variant is predicted to result in the amino acid substitution p.Ile693Leu. To our knowledge, this variant has not been reported in the literature. This variant is reported in 0.011% of alleles in individuals of African descent in gnomAD. At this time, the clinical significance of this variant is uncertain due to the absence of conclusive functional and genetic evidence.

Ambry Genetics
Classification: Uncertain significance for Inborn genetic diseases. Last evaluated: 2025-09-01. Review status: criteria provided, single submitter. Criteria: Ambry Variant Classification Scheme 2023. Collection method: clinical testing. Allele origin: germline.

Labcorp Genetics (formerly Invitae), Labcorp
Classification: Uncertain significance for Cohen syndrome. Last evaluated: 2022-05-14. Review status: criteria provided, single submitter. Criteria: Invitae Variant Classification Sherloc (09022015). Collection method: clinical testing. Allele origin: germline.
Comment: This sequence change replaces isoleucine, which is neutral and non-polar, with leucine, which is neutral and non-polar, at codon 693 of the VPS13B protein (p.Ile693Leu). This variant is present in population databases (no rsID available, gnomAD 0.01%). This variant has not been reported in the literature in individuals affected with VPS13B-related conditions. Algorithms developed to predict the effect of missense changes on protein structure and function are either unavailable or do not agree on the potential impact of this missense change (SIFT: "Not Available"; PolyPhen-2: "Possibly Damaging"; Align-GVGD: "Not Available"). In summary, the available evidence is currently insufficient to determine the role of this variant in disease. Therefore, it has been classified as a Variant of Uncertain Significance.